The following is an entry in ClinVar:

ClinVar aggregate classification (germline): Pathogenic (1 of 4 stars; one submission).

Submission:

GeneDx
Classification: Pathogenic. Last evaluated: 2023-11-14. Review status: criteria provided, single submitter. Criteria: GeneDx Variant Classification Process June 2021. Collection method: clinical testing. Allele origin: germline. Affected: yes.
Comment: Frameshift variant predicted to result in protein truncation or nonsense mediated decay in a gene for which loss of function is a known mechanism of disease; Not observed at significant frequency in large population cohorts (gnomAD); Has not been previously published as pathogenic or benign to our knowledge

NM_021614.4(KCNN2):c.1960_1961dup (p.Ile655fs)

Genes: KCNN2 (potassium calcium-activated channel subfamily N member 2; plus strand), LOC101927078 (uncharacterized LOC101927078; minus strand). Cytogenetic location: 5q22.3.
Variant type: Duplication.
Coding change: c.1960_1961dup on transcript NM_021614.4 (MANE Select); coding-DNA positions 1960 to 1961, 2 bases duplicated (AA; older notation c.1960_1961dupAA).
Protein change: p.Ile655fs; shifts the reading frame from isoleucine 655.
Molecular consequence: frameshift variant. On other transcripts: non-coding transcript variant (2).
Genome position (GRCh38, 1-based): chr5:114,487,119-114,487,120, AA duplicated; duplicating any 2 consecutive bases within chr5:114,487,116-114,487,120 gives the same sequence; the c. name uses the placement nearest the transcript's 3' end. VCF-style (leftmost placement, unchanged base first): chr5-114487115-G-GAA. GRCh37 (hg19) VCF-style: chr5-113822812-G-GAA.
Other names: c.2158_2159dup, p.Ile721fs (NM_001372233.1); c.280_281dup, p.Ile95fs (NM_170775.3); short protein forms I655fs, I721fs, I95fs.
Identifiers: ClinVar variation 3573579 (VCV003573579.1).